The following is an entry in ClinVar:

NM_001360.3(DHCR7):c.548G>A (p.Cys183Tyr)

Gene: DHCR7 (7-dehydrocholesterol reductase; minus strand). Cytogenetic location: 11q13.4.
Variant type: single nucleotide variant.
Coding change: c.548G>A on transcript NM_001360.3 (MANE Select); coding-DNA position 548, G replaced by A.
Protein change: p.Cys183Tyr; replaces cysteine 183 with tyrosine.
Molecular consequence: missense variant.
Genome position (GRCh38, 1-based): chr11:71,441,305, C>T on the plus strand (G>A on the coding strand, the complement: DHCR7 is on the minus strand). VCF-style: chr11-71441305-C-T. GRCh37 (hg19) VCF-style: chr11-71152351-C-T.
Other names: c.548G>A, p.Cys183Tyr (NM_001163817.2); short protein forms C183Y.
Identifiers: ClinVar variation 1333506 (VCV001333506.4), dbSNP rs2135944619, ClinGen allele CA381694450.

ClinVar aggregate classification (germline): Likely pathogenic. Review status: criteria provided, multiple submitters, no conflicts (2 of 4 stars). 2 submissions from 2 submitters: Likely pathogenic (2). Last evaluated 2023-12-21.

Conditions:
Smith-Lemli-Opitz syndrome (SLOS). Also called: LETHAL ACRODYSGENITAL SYNDROME; POLYDACTYLY, SEX REVERSAL, RENAL HYPOPLASIA, AND UNILOBAR LUNG; RSH SYNDROME; RUTLEDGE LETHAL MULTIPLE CONGENITAL ANOMALY SYNDROME; 7-Dehydrocholesterol reductase deficiency. Identifiers: Orphanet 818, MedGen C0175694, MONDO:0010035, OMIM 270400.

gnomAD v4.1: 2 of 1,614,216 alleles (0.00012%); no homozygotes.

Submissions (2):

Labcorp Genetics (formerly Invitae), Labcorp
Classification: Likely pathogenic for Smith-Lemli-Opitz syndrome. Last evaluated: 2023-12-21. Review status: criteria provided, single submitter. Criteria: Invitae Variant Classification Sherloc (09022015). Collection method: clinical testing. Allele origin: germline.
Comment: This sequence change replaces cysteine, which is neutral and slightly polar, with tyrosine, which is neutral and polar, at codon 183 of the DHCR7 protein (p.Cys183Tyr). This variant is not present in population databases (gnomAD no frequency). This missense change has been observed in individual(s) with Smith–Lemli–Opitz syndrome (PMID: 11427181). ClinVar contains an entry for this variant (Variation ID: 1333506). Advanced modeling of protein sequence and biophysical properties (such as structural, functional, and spatial information, amino acid conservation, physicochemical variation, residue mobility, and thermodynamic stability) performed at Invitae indicates that this missense variant is expected to disrupt DHCR7 protein function with a positive predictive value of 80%. In summary, the currently available evidence indicates that the variant is pathogenic, but additional data are needed to prove that conclusively. Therefore, this variant has been classified as Likely Pathogenic.

3billion
Classification: Likely pathogenic for Smith-Lemli-Opitz syndrome. Last evaluated: 2022-01-03. Review status: criteria provided, single submitter. Criteria: ACMG Guidelines, 2015. Collection method: clinical testing. Allele origin: germline. Affected: yes. Observed: 1 heterozygote.
Comment: Same nucleotide change resulting in same amino acid change has been previously reported to be associated with DHCR7 related disorder (PMID:11427181, PS1_P). The variant has been reported to be in trans with a pathogenic variant as either compound heterozygous or homozygous in at least one similarly affected unrelated individual (PMID: 11427181, PM3_M). In silico tool predictions suggest damaging effect of the variant on gene or gene product (REVEL: 0.845, 3CNET: 0.976, PP3_P). A missense variant is a common mechanism associated with Smith-Lemli-Opitz syndrome (PP2_P). It is not observed in the gnomAD v2.1.1 dataset (PM2_M). Therefore, this variant is classified as likely pathogenic according to the recommendation of ACMG/AMP guideline.

Literature cited by the submitters: PubMed 11427181 (cited by Labcorp Genetics (formerly Invitae), Labcorp and 3billion).